The following is an entry in ClinVar:

NM_001048174.2(MUTYH):c.1553G>A (p.Ser518Asn)

Gene: MUTYH (mutY DNA glycosylase; minus strand). Cytogenetic location: 1p34.1.
Variant type: single nucleotide variant.
Coding change: c.1553G>A on transcript NM_001048174.2 (MANE Select); coding-DNA position 1553, G replaced by A.
Protein change: p.Ser518Asn; replaces serine 518 with asparagine.
Molecular consequence: missense variant. On other transcripts: non-coding transcript variant (2).
Genome position (GRCh38, 1-based): chr1:45,329,319, C>T on the plus strand (G>A on the coding strand, the complement: MUTYH is on the minus strand). VCF-style: chr1-45329319-C-T. GRCh37 (hg19) VCF-style: chr1-45794991-C-T.
Other names: c.1637G>A (NM_001128425.1); c.1553G>A, p.Ser518Asn (NM_001048171.2, NM_001048173.2, NM_001293195.2); c.1556G>A, p.Ser519Asn (NM_001048172.2); c.1637G>A, p.Ser546Asn (NM_001128425.2); c.1598G>A, p.Ser533Asn (NM_001293190.2); c.1586G>A, p.Ser529Asn (NM_001293191.2); c.1277G>A, p.Ser426Asn (NM_001293192.2, NM_001293196.2); c.1208G>A, p.Ser403Asn (NM_001350650.2, NM_001350651.2); and 1 more; short protein forms S518N, S519N, S403N, S533N, S543N, S529N, S426N, S546N.
Identifiers: ClinVar variation 1376959 (VCV001376959.10), dbSNP rs2149087335, ClinGen allele CA340131504.
Genomic context (GRCh38, chr1:45,329,319, plus strand): 5'-ACTTTACTAACAACAGGATTCTCAGGGAATGGGGGCTTTCAGAGGTGTCACTGGGCTGCA[C>T]TGTTGAGGCTGTGTGCATCAGTGGAGATGTGAGACCGAAAGAAATTATCCAGGACTTGCT-3'
Protein context (NP_001041639.1, residues 508-521): HISTDAHSLN[Ser518Asn]AAQ

ClinVar aggregate classification (germline): Conflicting classifications of pathogenicity. Review status: criteria provided, conflicting classifications (1 of 4 stars). 2 submissions from 2 submitters: Uncertain significance (1); Benign (1). Last evaluated 2025-09-09.

Conditions:
Familial adenomatous polyposis 2. Also called: Adenomas, multiple colorectal; MYH-associated polyposis; COLORECTAL ADENOMATOUS POLYPOSIS, AUTOSOMAL RECESSIVE; ADENOMAS, MULTIPLE COLORECTAL, AUTOSOMAL RECESSIVE; FAP type 2; MUTYH Polyposis. Identifiers: Orphanet 220460, Orphanet 247798, MedGen C3272841, MONDO:0012041, OMIM 608456.
Hereditary cancer-predisposing syndrome. Also called: Tumor predisposition; Neoplastic Syndromes, Hereditary; Hereditary Cancer Syndrome; Hereditary neoplastic syndrome. Identifiers: Orphanet 140162, MedGen C0027672, MeSH D009386, MONDO:0015356.

Submissions (2):

Ambry Genetics
Classification: Benign for Hereditary cancer-predisposing syndrome. Last evaluated: 2025-09-09. Review status: criteria provided, single submitter. Criteria: Ambry Variant Classification Scheme 2023. Collection method: clinical testing. Allele origin: germline.

Labcorp Genetics (formerly Invitae), Labcorp
Classification: Uncertain significance for Familial adenomatous polyposis 2. Last evaluated: 2021-03-07. Review status: criteria provided, single submitter. Criteria: Invitae Variant Classification Sherloc (09022015). Collection method: clinical testing. Allele origin: germline.
Comment: In summary, the available evidence is currently insufficient to determine the role of this variant in disease. Therefore, it has been classified as a Variant of Uncertain Significance. Algorithms developed to predict the effect of missense changes on protein structure and function (SIFT, PolyPhen-2, Align-GVGD) all suggest that this variant is likely to be tolerated, but these predictions have not been confirmed by published functional studies and their clinical significance is uncertain. This variant has not been reported in the literature in individuals with MUTYH-related conditions. This variant is not present in population databases (ExAC no frequency). This sequence change replaces serine with asparagine at codon 546 of the MUTYH protein (p.Ser546Asn). The serine residue is moderately conserved and there is a small physicochemical difference between serine and asparagine.